The following is an entry in ClinVar:

NM_004722.4(AP4M1):c.310C>T (p.Arg104Cys)

Gene: AP4M1 (adaptor related protein complex 4 subunit mu 1; plus strand). Cytogenetic location: 7q22.1.
Variant type: single nucleotide variant.
Coding change: c.310C>T on transcript NM_004722.4 (MANE Select); coding-DNA position 310, C replaced by T.
Protein change: p.Arg104Cys; replaces arginine 104 with cysteine.
Molecular consequence: missense variant.
Genome position (GRCh38, 1-based): chr7:100,102,919, C>T. VCF-style: chr7-100102919-C-T. GRCh37 (hg19) VCF-style: chr7-99700542-C-T.
Other names: c.331C>T, p.Arg111Cys (NM_001363671.2); short protein forms R104C, R111C.
Identifiers: ClinVar variation 2143908 (VCV002143908.2), dbSNP rs754979922, ClinGen allele CA4374564.

ClinVar aggregate classification (germline): Uncertain significance (1 of 4 stars; one submission).

Conditions:
Hereditary spastic paraplegia 50 (SPG50). Also called: Spastic paraplegia 50, autosomal recessive. Identifiers: Orphanet 280763, MedGen C2752008, MONDO:0013048, OMIM 612936.

Allele frequency attached by ClinVar (database versions not stated): ExAC 0.00002; gnomAD 0.00002.

Submission:

Labcorp Genetics (formerly Invitae), Labcorp
Classification: Uncertain significance for Hereditary spastic paraplegia 50. Last evaluated: 2022-01-12. Review status: criteria provided, single submitter. Criteria: Invitae Variant Classification Sherloc (09022015). Collection method: clinical testing. Allele origin: germline.
Comment: In summary, the available evidence is currently insufficient to determine the role of this variant in disease. Therefore, it has been classified as a Variant of Uncertain Significance. Algorithms developed to predict the effect of missense changes on protein structure and function (SIFT, PolyPhen-2, Align-GVGD) all suggest that this variant is likely to be disruptive. This variant has not been reported in the literature in individuals affected with AP4M1-related conditions. This variant is present in population databases (rs754979922, gnomAD 0.006%), including at least one homozygous and/or hemizygous individual. This sequence change replaces arginine, which is basic and polar, with cysteine, which is neutral and slightly polar, at codon 104 of the AP4M1 protein (p.Arg104Cys).